The following is an entry in ClinVar:

ClinVar aggregate classification (germline): Uncertain significance (1 of 4 stars; one submission).

Conditions:
Candidiasis, familial, 9 (CANDF9). Identifiers: Orphanet 1334, MedGen C4225324, MONDO:0014642, OMIM 616445.

Allele frequency attached by ClinVar (database versions not stated): gnomAD 0.00001; TOPMed 0.00001; gnomAD exomes 0.00002; ExAC 0.00003.
gnomAD v4.1: 41 of 1,613,918 alleles (0.0025%); highest among the groups gnomAD compares: South Asian, 0.0077%; no homozygotes.

Submission:

Labcorp Genetics (formerly Invitae), Labcorp
Classification: Uncertain significance for Candidiasis, familial, 9. Last evaluated: 2025-05-23. Review status: criteria provided, single submitter. Criteria: Invitae Variant Classification Sherloc (09022015). Collection method: clinical testing. Allele origin: germline.
Comment: This sequence change replaces proline, which is neutral and non-polar, with leucine, which is neutral and non-polar, at codon 328 of the IL17RC protein (p.Pro328Leu). This variant is present in population databases (rs764646516, gnomAD 0.01%). This variant has not been reported in the literature in individuals affected with IL17RC-related conditions. ClinVar contains an entry for this variant (Variation ID: 943075). An algorithm developed to predict the effect of missense changes on protein structure and function (PolyPhen-2) suggests that this variant is likely to be tolerated. In summary, the available evidence is currently insufficient to determine the role of this variant in disease. Therefore, it has been classified as a Variant of Uncertain Significance.

NM_153460.4(IL17RC):c.770C>T (p.Pro257Leu)

Gene: IL17RC (interleukin 17 receptor C; plus strand). Cytogenetic location: 3p25.3.
Variant type: single nucleotide variant.
Coding change: c.770C>T on transcript NM_153460.4 (MANE Select); coding-DNA position 770, C replaced by T.
Protein change: p.Pro257Leu; replaces proline 257 with leucine.
Molecular consequence: missense variant. On other transcripts: non-coding transcript variant (1).
Genome position (GRCh38, 1-based): chr3:9,924,239, C>T. VCF-style: chr3-9924239-C-T. GRCh37 (hg19) VCF-style: chr3-9965923-C-T.
Other names: c.770C>T, p.Pro257Leu (NM_001203263.2, NM_001203264.2); c.725C>T, p.Pro242Leu (NM_001203265.2, NM_001367280.1, NM_032732.6); c.731C>T, p.Pro244Leu (NM_001367278.1); c.650C>T, p.Pro217Leu (NM_001367279.1); c.983C>T, p.Pro328Leu (NM_153461.4); short protein forms P217L, P244L, P242L, P257L, P328L.
Identifiers: ClinVar variation 943075 (VCV000943075.6), dbSNP rs764646516, ClinGen allele CA2246979.